The following is an entry in ClinVar:

ClinVar aggregate classification (germline): Benign (3 of 4 stars; one submission).

Conditions:
Breast-ovarian cancer, familial, susceptibility to, 2 (BROVCA2). Also called: BRCA2 Hereditary Breast and Ovarian Cancer. Identifiers: Orphanet 145, MedGen C2675520, MONDO:0012933, OMIM 612555. Disease mechanism: loss of function.

Allele frequency attached by ClinVar (database versions not stated): 1000 Genomes Project 0.20727; 1000 Genomes Project 30x 0.20893; gnomAD 0.23338.
gnomAD v4.1: 28,937 of 116,634 alleles (25%); highest among the groups gnomAD compares: Non-Finnish European, 27%; 3,821 homozygotes.

Submission:

Evidence-based Network for the Interpretation of Germline Mutant Alleles (ENIGMA)
Classification: Benign for Breast-ovarian cancer, familial 2. Last evaluated: 2015-01-12. Review status: reviewed by expert panel. Criteria: ENIGMA BRCA1/2 Classification Criteria (2015). Collection method: curation. Allele origin: germline.
Comment: Class 1 not pathogenic based on frequency >1% in an outbred sampleset. Frequency 0.06294 (Asian), 0.3293 (African), 0.2836 (European), derived from 1000 genomes (2012-04-30).

NM_000059.4(BRCA2):c.8331+1616T>G

Gene: BRCA2 (BRCA2 DNA repair associated; plus strand). Cytogenetic location: 13q13.1.
Variant type: single nucleotide variant.
Coding change: c.8331+1616T>G on transcript NM_000059.4 (MANE Select); 1616 bases into the intron after coding-DNA position 8331, T replaced by G.
Molecular consequence: intron variant.
Genome position (GRCh38, 1-based): chr13:32,365,149, T>G. VCF-style: chr13-32365149-T-G. GRCh37 (hg19) VCF-style: chr13-32939286-T-G.
Other names: IVS 18+1616T>G.
Identifiers: ClinVar variation 209787 (VCV000209787.1), dbSNP rs9534269, ClinGen allele CA276755.